The following is an entry in ClinVar:

NM_017752.3(TBC1D8B):c.2537T>C (p.Leu846Ser)

Gene: TBC1D8B (TBC1 domain family member 8B; plus strand). Cytogenetic location: Xq22.3.
Variant type: single nucleotide variant.
Coding change: c.2537T>C on transcript NM_017752.3 (MANE Select); coding-DNA position 2537, T replaced by C.
Protein change: p.Leu846Ser; replaces leucine 846 with serine.
Molecular consequence: missense variant.
Genome position (GRCh38, 1-based): chrX:106,865,908, T>C. VCF-style: chrX-106865908-T-C. GRCh37 (hg19) VCF-style: chrX-106109138-T-C.
Other names: short protein forms L846S.
Identifiers: ClinVar variation 3966063 (VCV003966063.2).
Genomic context (GRCh38, chrX:106,865,908, plus strand): 5'-ATGACCCCAGTCTGCCATATTTGGAACAGTATCAGATTGACTGCCAGCAGTTCAGAGCGT[T>C]GTATCACTTGTTGAGTCCCTGGGCTCATTCTGCAAATAAAGACTCACTAGCTTTATGGAC-3'
Protein context (NP_060222.2, residues 836-856): YQIDCQQFRA[Leu846Ser]YHLLSPWAHS

ClinVar aggregate classification (germline): Uncertain significance. Review status: criteria provided, multiple submitters, no conflicts (2 of 4 stars). 2 submissions from 2 submitters: Uncertain significance (2). Last evaluated 2025-11-03.

gnomAD v4.1: 25 of 1,209,527 alleles (0.0021%); highest among the groups gnomAD compares: Non-Finnish European, 0.0027%; no homozygotes.

Submissions (2):

Labcorp Genetics (formerly Invitae), Labcorp
Classification: Uncertain significance. Last evaluated: 2025-11-03. Review status: criteria provided, single submitter. Criteria: Invitae Variant Classification Sherloc (09022015). Collection method: clinical testing. Allele origin: germline.
Comment: This sequence change replaces leucine, which is neutral and non-polar, with serine, which is neutral and polar, at codon 846 of the TBC1D8B protein (p.Leu846Ser). This variant is present in population databases (rs756168279, gnomAD 0.006%). This variant has not been reported in the literature in individuals affected with TBC1D8B-related conditions. ClinVar contains an entry for this variant (Variation ID: 3966063). An algorithm developed to predict the effect of missense changes on protein structure and function (PolyPhen-2) suggests that this variant is likely to be disruptive. In summary, the available evidence is currently insufficient to determine the role of this variant in disease. Therefore, it has been classified as a Variant of Uncertain Significance.

Ambry Genetics
Classification: Uncertain significance. Last evaluated: 2025-04-14. Review status: criteria provided, single submitter. Criteria: Ambry Variant Classification Scheme 2023. Collection method: clinical testing. Allele origin: germline.